The following is an entry in ClinVar:

ClinVar aggregate classification (germline): Uncertain significance (1 of 4 stars; one submission).

Allele frequency attached by ClinVar (database versions not stated): gnomAD exomes below 0.00001.
gnomAD v4.1: 1 of 1,613,778 alleles (0.000062%); highest among the groups gnomAD compares: South Asian, 0.0011%; no homozygotes.

Submission:

Labcorp Genetics (formerly Invitae), Labcorp
Classification: Uncertain significance. Last evaluated: 2022-07-06. Review status: criteria provided, single submitter. Criteria: Invitae Variant Classification Sherloc (09022015). Collection method: clinical testing. Allele origin: germline.
Comment: This variant has not been reported in the literature in individuals affected with LRP2-related conditions. This variant is not present in population databases (gnomAD no frequency). This sequence change replaces proline, which is neutral and non-polar, with arginine, which is basic and polar, at codon 3007 of the LRP2 protein (p.Pro3007Arg). ClinVar contains an entry for this variant (Variation ID: 1403190). In summary, the available evidence is currently insufficient to determine the role of this variant in disease. Therefore, it has been classified as a Variant of Uncertain Significance. Advanced modeling of protein sequence and biophysical properties (such as structural, functional, and spatial information, amino acid conservation, physicochemical variation, residue mobility, and thermodynamic stability) performed at Invitae indicates that this missense variant is not expected to disrupt LRP2 protein function.

NM_004525.3(LRP2):c.9020C>G (p.Pro3007Arg)

Gene: LRP2 (LDL receptor related protein 2; minus strand). Cytogenetic location: 2q31.1.
Variant type: single nucleotide variant.
Coding change: c.9020C>G on transcript NM_004525.3 (MANE Select); coding-DNA position 9020, C replaced by G.
Protein change: p.Pro3007Arg; replaces proline 3007 with arginine.
Molecular consequence: missense variant.
Genome position (GRCh38, 1-based): chr2:169,191,844, G>C on the plus strand (C>G on the coding strand, the complement: LRP2 is on the minus strand). VCF-style: chr2-169191844-G-C. GRCh37 (hg19) VCF-style: chr2-170048354-G-C.
Other names: short protein forms P3007R.
Identifiers: ClinVar variation 1403190 (VCV001403190.8), dbSNP rs2105311026, ClinGen allele CA349159049.
Genomic context (GRCh38, chr2:169,191,844, plus strand): 5'-CCATGGACATTTGAGGCATGCTGGGTAACTTCTGAATCCTCAATTCACCTGAATATCTTT[G>C]GGATACACAGTCCGTAACCACAGGTGAATTCATTTTCAGAGCAAGTTCTCCTGGTGCAAT-3'
Protein context (NP_004516.2, residues 2997-3017): EFTCGYGLCI[Pro3007Arg]KIFRCDRHND